The following is an entry in ClinVar:

ClinVar aggregate classification (germline): Benign. Review status: criteria provided, multiple submitters, no conflicts (2 of 4 stars). 4 submissions from 4 submitters: Benign (4). Last evaluated 2026-01-28.

Conditions:
Hyperammonemic encephalopathy due to carbonic anhydrase VA deficiency. Also called: Carbonic Anhydrase VA Deficiency; Carbonic anhydrase VA deficiency, hyperammonemia due to. Identifiers: Orphanet 401948, MedGen C4706871, MONDO:0014332, OMIM 615751.

Allele frequency attached by ClinVar (database versions not stated): gnomAD exomes 0.00346 and 0.00864; ExAC 0.01019; gnomAD 0.03158 and 0.03363; TOPMed 0.03536; ESP Exome Variant Server 0.03547; 1000 Genomes Project 0.03714; 1000 Genomes Project 30x 0.03951.

Submissions (4):

Labcorp Genetics (formerly Invitae), Labcorp
Classification: Benign for Hyperammonemic encephalopathy due to carbonic anhydrase VA deficiency. Last evaluated: 2026-01-28. Review status: criteria provided, single submitter. Criteria: Invitae Variant Classification Sherloc (09022015). Collection method: clinical testing. Allele origin: germline.

Mayo Clinic Laboratories, Mayo Clinic
Classification: Benign. Last evaluated: 2019-04-26. Review status: criteria provided, single submitter. Criteria: ACMG Guidelines, 2015. Collection method: clinical testing. Allele origin: germline. Observed: 31 variant alleles.

GeneDx
Classification: Benign. Last evaluated: 2016-01-27. Review status: criteria provided, single submitter. Criteria: GeneDx Variant Classification (06012015). Collection method: clinical testing. Allele origin: germline. Affected: yes.
Comment: This variant is considered likely benign or benign based on one or more of the following criteria: it is a conservative change, it occurs at a poorly conserved position in the protein, it is predicted to be benign by multiple in silico algorithms, and/or has population frequency not consistent with disease.

Breakthrough Genomics
Classification: Benign. Review status: criteria provided, single submitter. Criteria: ACMG Guidelines, 2015. Collection method: not provided. Allele origin: germline. Inheritance: Autosomal recessive inheritance. Affected: yes.

NM_001739.2(CA5A):c.138C>A (p.Asn46Lys)

Gene: CA5A (carbonic anhydrase 5A; minus strand). Cytogenetic location: 16q24.2.
Variant type: single nucleotide variant.
Coding change: c.138C>A on transcript NM_001739.2 (MANE Select); coding-DNA position 138, C replaced by A.
Protein change: p.Asn46Lys; replaces asparagine 46 with lysine.
Molecular consequence: missense variant. On other transcripts: non-coding transcript variant (2).
Genome position (GRCh38, 1-based): chr16:87,936,313, G>T on the plus strand (C>A on the coding strand, the complement: CA5A is on the minus strand). VCF-style: chr16-87936313-G-T. GRCh37 (hg19) VCF-style: chr16-87969919-G-T.
Other names: p.Asn46Lys; c.138C>A, p.Asn46Lys (NM_001367225.1); short protein forms N46K.
Identifiers: ClinVar variation 380536 (VCV000380536.14), dbSNP rs74041853, ClinGen allele CA8223628.